The following is an entry in ClinVar:

NM_004655.4(AXIN2):c.764T>C (p.Leu255Pro)

Gene: AXIN2 (axin 2; minus strand). Cytogenetic location: 17q24.1.
Variant type: single nucleotide variant.
Coding change: c.764T>C on transcript NM_004655.4 (MANE Select); coding-DNA position 764, T replaced by C.
Protein change: p.Leu255Pro; replaces leucine 255 with proline.
Molecular consequence: missense variant.
Genome position (GRCh38, 1-based): chr17:65,557,857, A>G on the plus strand (T>C on the coding strand, the complement: AXIN2 is on the minus strand). VCF-style: chr17-65557857-A-G. GRCh37 (hg19) VCF-style: chr17-63553975-A-G.
Other names: c.764T>C, p.Leu255Pro (NM_001363813.1); short protein forms L255P.
Identifiers: ClinVar variation 2566121 (VCV002566121.4), dbSNP rs2544247367, ClinGen allele CA400680323.

ClinVar aggregate classification (germline): Uncertain significance. Review status: criteria provided, multiple submitters, no conflicts (2 of 4 stars). 2 submissions from 2 submitters: Uncertain significance (2). Last evaluated 2026-01-20.

Conditions:
Oligodontia-cancer predisposition syndrome. Also called: TOOTH AGENESIS-COLORECTAL CANCER SYNDROME. Identifiers: Orphanet 300576, MedGen C1837750, MONDO:0012075, OMIM 608615. Disease mechanism: loss of function.
Hereditary cancer-predisposing syndrome. Also called: Neoplastic Syndromes, Hereditary; Hereditary Cancer Syndrome; Hereditary neoplastic syndrome; Tumor predisposition. Identifiers: Orphanet 140162, MedGen C0027672, MeSH D009386, MONDO:0015356.

Submissions (2):

Labcorp Genetics (formerly Invitae), Labcorp
Classification: Uncertain significance for Oligodontia-cancer predisposition syndrome. Last evaluated: 2026-01-20. Review status: criteria provided, single submitter. Criteria: Invitae Variant Classification Sherloc (09022015). Collection method: clinical testing. Allele origin: germline.
Comment: This sequence change replaces leucine, which is neutral and non-polar, with proline, which is neutral and non-polar, at codon 255 of the AXIN2 protein (p.Leu255Pro). This variant is not present in population databases (gnomAD no frequency). This variant has not been reported in the literature in individuals affected with AXIN2-related conditions. ClinVar contains an entry for this variant (Variation ID: 2566121). Invitae Evidence Modeling of protein sequence and biophysical properties (such as structural, functional, and spatial information, amino acid conservation, physicochemical variation, residue mobility, and thermodynamic stability) indicates that this missense variant is expected to disrupt AXIN2 protein function with a positive predictive value of 80%. In summary, the available evidence is currently insufficient to determine the role of this variant in disease. Therefore, it has been classified as a Variant of Uncertain Significance.

Ambry Genetics
Classification: Uncertain significance for Hereditary cancer-predisposing syndrome. Last evaluated: 2023-05-09. Review status: criteria provided, single submitter. Criteria: Ambry Variant Classification Scheme 2023. Collection method: clinical testing. Allele origin: germline.
Comment: The p.L255P variant (also known as c.764T>C), located in coding exon 1 of the AXIN2 gene, results from a T to C substitution at nucleotide position 764. The leucine at codon 255 is replaced by proline, an amino acid with similar properties. This amino acid position is highly conserved in available vertebrate species. In addition, this alteration is predicted to be deleterious by in silico analysis. Since supporting evidence is limited at this time, the clinical significance of this alteration remains unclear.